The following is an entry in ClinVar:

ClinVar aggregate classification (germline): Uncertain significance (1 of 4 stars; one submission).

Conditions:
Autosomal dominant polycystic kidney disease. Identifiers: Orphanet 730, MedGen C0085413, MONDO:0004691.

Submission:

Labcorp Genetics (formerly Invitae), Labcorp
Classification: Uncertain significance for Autosomal dominant polycystic kidney disease. Last evaluated: 2025-04-10. Review status: criteria provided, single submitter. Criteria: Invitae Variant Classification Sherloc (09022015). Collection method: clinical testing. Allele origin: germline.
Comment: This sequence change replaces serine, which is neutral and polar, with asparagine, which is neutral and polar, at codon 151 of the PKD2 protein (p.Ser151Asn). This variant is not present in population databases (gnomAD no frequency). This variant has not been reported in the literature in individuals affected with PKD2-related conditions. An algorithm developed to predict the effect of missense changes on protein structure and function outputs the following: PolyPhen-2: "Benign". The asparagine amino acid residue is found in multiple mammalian species, which suggests that this missense change does not adversely affect protein function. In summary, the available evidence is currently insufficient to determine the role of this variant in disease. Therefore, it has been classified as a Variant of Uncertain Significance.

NM_000297.4(PKD2):c.452G>A (p.Ser151Asn)

Genes: PKD2 (polycystin 2, transient receptor potential cation channel; plus strand), LOC129992813 (ATAC-STARR-seq lymphoblastoid silent region 15559; plus strand). Cytogenetic location: 4q22.1.
Variant type: single nucleotide variant.
Coding change: c.452G>A on transcript NM_000297.4 (MANE Select); coding-DNA position 452, G replaced by A.
Protein change: p.Ser151Asn; replaces serine 151 with asparagine.
Molecular consequence: missense variant. On other transcripts: non-coding transcript variant (1).
Genome position (GRCh38, 1-based): chr4:88,008,185, G>A. VCF-style: chr4-88008185-G-A. GRCh37 (hg19) VCF-style: chr4-88929337-G-A.
Other names: c.452G>A, p.Ser151Asn (NM_001440544.1); short protein forms S151N.
Identifiers: ClinVar variation 4798041 (VCV004798041.1).